The following is an entry in ClinVar:

ClinVar aggregate classification (germline): Conflicting classifications of pathogenicity. Review status: criteria provided, conflicting classifications (1 of 4 stars). 2 submissions from 2 submitters: Uncertain significance (1); Likely benign (1). Last evaluated 2024-09-20.

Conditions:
Developmental and epileptic encephalopathy, 36 (DEE36). Also called: Congenital disorder of glycosylation, type Is; Epileptic encephalopathy, early infantile, 36; ALG13-CDG. Identifiers: Orphanet 324422, MedGen C4317295, MONDO:0010472, OMIM 300884.

Submissions (2):

3billion
Classification: Likely benign for Developmental and epileptic encephalopathy, 36. Last evaluated: 2024-09-20. Review status: criteria provided, single submitter. Criteria: ACMG Guidelines, 2015. Collection method: clinical testing. Allele origin: germline. Affected: no.
Comment: The hemizygous variant was found in patients with no symptoms related to the gene containing the hemizygous variant.

Labcorp Genetics (formerly Invitae), Labcorp
Classification: Uncertain significance for Developmental and epileptic encephalopathy, 36. Last evaluated: 2021-08-31. Review status: criteria provided, single submitter. Criteria: Invitae Variant Classification Sherloc (09022015). Collection method: clinical testing. Allele origin: germline.

NM_001099922.3(ALG13):c.1842G>T (p.Arg614Ser)

Gene: ALG13 (ALG13 UDP-N-acetylglucosaminyltransferase subunit; plus strand). Cytogenetic location: Xq23.
Variant type: single nucleotide variant.
Coding change: c.1842G>T on transcript NM_001099922.3 (MANE Select); coding-DNA position 1842, G replaced by T.
Protein change: p.Arg614Ser; replaces arginine 614 with serine.
Molecular consequence: missense variant. On other transcripts: non-coding transcript variant (1).
Genome position (GRCh38, 1-based): chrX:111,726,921, G>T. VCF-style: chrX-111726921-G-T. GRCh37 (hg19) VCF-style: chrX-110970149-G-T.
Other names: c.1530G>T, p.Arg510Ser (NM_001257230.2, NM_001257234.2, NM_001257237.2); c.1608G>T, p.Arg536Ser (NM_001257231.2); c.1842G>T, p.Arg614Ser (NM_001324292.2); c.1356G>T, p.Arg452Ser (NM_001324293.1); short protein forms R452S, R510S, R536S, R614S.
Identifiers: ClinVar variation 942447 (VCV000942447.6), dbSNP rs1942117760, ClinGen allele CA414252663.